The following is an entry in ClinVar:

ClinVar aggregate classification (germline): Uncertain significance (1 of 4 stars; one submission).

Submission:

Labcorp Genetics (formerly Invitae), Labcorp
Classification: Uncertain significance. Last evaluated: 2021-10-06. Review status: criteria provided, single submitter. Criteria: Invitae Variant Classification Sherloc (09022015). Collection method: clinical testing. Allele origin: germline.
Comment: This sequence change replaces cysteine with tyrosine at codon 559 of the TNFAIP3 protein (p.Cys559Tyr). The cysteine residue is highly conserved and there is a large physicochemical difference between cysteine and tyrosine. This variant is not present in population databases (ExAC no frequency). This variant has not been reported in the literature in individuals affected with TNFAIP3-related conditions. Algorithms developed to predict the effect of missense changes on protein structure and function (SIFT, PolyPhen-2, Align-GVGD) all suggest that this variant is likely to be tolerated. In summary, the available evidence is currently insufficient to determine the role of this variant in disease. Therefore, it has been classified as a Variant of Uncertain Significance.

NM_001270508.2(TNFAIP3):c.1676G>A (p.Cys559Tyr)

Gene: TNFAIP3 (TNF alpha induced protein 3; plus strand). Cytogenetic location: 6q23.3.
Variant type: single nucleotide variant.
Coding change: c.1676G>A on transcript NM_001270508.2 (MANE Select); coding-DNA position 1676, G replaced by A.
Protein change: p.Cys559Tyr; replaces cysteine 559 with tyrosine.
Molecular consequence: missense variant.
Genome position (GRCh38, 1-based): chr6:137,879,121, G>A. VCF-style: chr6-137879121-G-A. GRCh37 (hg19) VCF-style: chr6-138200258-G-A.
Other names: c.1676G>A, p.Cys559Tyr (NM_001270507.2, NM_006290.4); short protein forms C559Y.
Identifiers: ClinVar variation 1419264 (VCV001419264.6), dbSNP rs2114503837, ClinGen allele CA365793242.